The following is an entry in ClinVar:

ClinVar aggregate classification (germline): Uncertain significance (1 of 4 stars; one submission).

Conditions:
Niemann-Pick disease, type C2 (NPC2). Identifiers: Orphanet 646, MedGen C1843366, MONDO:0011873, OMIM 607625.

Allele frequency attached by ClinVar (database versions not stated): TOPMed below 0.00001; gnomAD 0.00001; gnomAD exomes 0.00001.
gnomAD v4.1: 14 of 1,606,104 alleles (0.00087%); highest among the groups gnomAD compares: Non-Finnish European, 0.0011%; no homozygotes.

Submission:

Labcorp Genetics (formerly Invitae), Labcorp
Classification: Uncertain significance for Niemann-Pick disease, type C2. Last evaluated: 2022-08-02. Review status: criteria provided, single submitter. Criteria: Invitae Variant Classification Sherloc (09022015). Collection method: clinical testing. Allele origin: germline.
Comment: In summary, the available evidence is currently insufficient to determine the role of this variant in disease. Therefore, it has been classified as a Variant of Uncertain Significance. Algorithms developed to predict the effect of missense changes on protein structure and function (SIFT, PolyPhen-2, Align-GVGD) all suggest that this variant is likely to be disruptive. This variant has not been reported in the literature in individuals affected with NPC2-related conditions. The frequency data for this variant in the population databases is considered unreliable, as metrics indicate poor data quality at this position in the gnomAD database. This sequence change replaces leucine, which is neutral and non-polar, with proline, which is neutral and non-polar, at codon 49 of the NPC2 protein (p.Leu49Pro).

NM_006432.5(NPC2):c.146T>C (p.Leu49Pro)

Gene: NPC2 (NPC intracellular cholesterol transporter 2; minus strand). Cytogenetic location: 14q24.3.
Variant type: single nucleotide variant.
Coding change: c.146T>C on transcript NM_006432.5 (MANE Select); coding-DNA position 146, T replaced by C.
Protein change: p.Leu49Pro; replaces leucine 49 with proline.
Molecular consequence: missense variant.
Genome position (GRCh38, 1-based): chr14:74,486,373, A>G on the plus strand (T>C on the coding strand, the complement: NPC2 is on the minus strand). VCF-style: chr14-74486373-A-G. GRCh37 (hg19) VCF-style: chr14-74953076-A-G.
Other names: c.146T>C, p.Leu49Pro (NM_001363688.1, NM_001375440.1); short protein forms L49P.
Identifiers: ClinVar variation 2171461 (VCV002171461.4), dbSNP rs1310092921, ClinGen allele CA390532723.
Genomic context (GRCh38, chr14:74,486,373, plus strand): 5'-AGCCACTTTTACGCACTGCTGGTGAAGGTGACATTGACGCTGTAAGACTGTCCTTTGCTC[A>G]GCTGGCAGGGTTGGGTGGGGCATGGGCTCACATTCACTTCCTTTATAACTCCATCCACAG-3'
Protein context (NP_006423.1, residues 39-59): VSPCPTQPCQ[Leu49Pro]SKGQSYSVNV